The following is an entry in ClinVar:

NM_005726.6(TSFM):c.12_30dup (p.Leu11fs)

Gene: TSFM (Ts translation elongation factor, mitochondrial; plus strand). Cytogenetic location: 12q14.1.
Variant type: Duplication.
Coding change: c.12_30dup on transcript NM_005726.6 (MANE Select); coding-DNA positions 12 to 30, 19 bases duplicated (GCGGTCGCTGCGCGTGTTT).
Protein change: p.Leu11fs; shifts the reading frame from leucine 11.
Molecular consequence: frameshift variant.
Genome position (GRCh38, 1-based): chr12:57,782,813-57,782,831, GCGGTCGCTGCGCGTGTTT duplicated; duplicating any 19 consecutive bases within chr12:57,782,812-57,782,831 gives the same sequence; the c. name uses the placement nearest the transcript's 3' end. VCF-style (leftmost placement, unchanged base first): chr12-57782811-C-CTGCGGTCGCTGCGCGTGTT. GRCh37 (hg19) VCF-style: chr12-58176594-C-CTGCGGTCGCTGCGCGTGTT.
Other names: c.12_30dup, p.Leu11fs (NM_001172695.2, NM_001172696.2, NM_001172697.2); short protein forms L11fs.
Identifiers: ClinVar variation 4798328 (VCV004798328.1).

ClinVar aggregate classification (germline): Pathogenic (1 of 4 stars; one submission).

Submission:

Labcorp Genetics (formerly Invitae), Labcorp
Classification: Pathogenic. Last evaluated: 2026-01-13. Review status: criteria provided, single submitter. Criteria: Invitae Variant Classification Sherloc (09022015). Collection method: clinical testing. Allele origin: germline.
Comment: This sequence change creates a premature translational stop signal (p.Leu11Alafs*120) in the TSFM gene. It is expected to result in an absent or disrupted protein product. Loss-of-function variants in TSFM are known to be pathogenic (PMID: 17033963, 20435138, 25037205, 27677415). This variant is not present in population databases (gnomAD no frequency). This variant has not been reported in the literature in individuals affected with TSFM-related conditions. For these reasons, this variant has been classified as Pathogenic.

Literature cited by the submitters: PubMed 17033963; PubMed 20435138; PubMed 25037205; PubMed 27677415.